The following is an entry in ClinVar:

ClinVar aggregate classification (germline): Conflicting classifications of pathogenicity. Review status: criteria provided, conflicting classifications (1 of 4 stars). 4 submissions from 4 submitters: Uncertain significance (3); Likely benign (1). Last evaluated 2025-02-03.

Conditions:
Hereditary cancer-predisposing syndrome. Also called: Neoplastic Syndromes, Hereditary; Tumor predisposition; Hereditary Cancer Syndrome; Hereditary neoplastic syndrome. Identifiers: Orphanet 140162, MedGen C0027672, MeSH D009386, MONDO:0015356.
Breast-ovarian cancer, familial, susceptibility to, 4. Identifiers: Orphanet 145, MedGen C3280345, MONDO:0013669, OMIM 614291.

Allele frequency attached by ClinVar (database versions not stated): gnomAD exomes below 0.00001.
gnomAD v4.1: 7 of 1,613,900 alleles (0.00043%); highest among the groups gnomAD compares: Middle Eastern, 0.017%; no homozygotes.

Submissions (4):

Color Diagnostics, LLC DBA Color Health
Classification: Uncertain significance for Hereditary cancer-predisposing syndrome. Last evaluated: 2025-02-03. Review status: criteria provided, single submitter. Criteria: ACMG Guidelines, 2015. Collection method: clinical testing. Allele origin: germline.
Comment: This missense variant replaces isoleucine with valine at codon 251 of the RAD51D protein. Computational prediction suggests that this variant may not impact protein structure and function (internally defined REVEL score threshold <= 0.5, PMID: 27666373). To our knowledge, functional studies have not been reported for this variant. This variant has not been reported in individuals affected with RAD51D-related disorders in the literature. This variant has been identified in 1/251110 chromosomes in the general population by the Genome Aggregation Database (gnomAD). The available evidence is insufficient to determine the role of this variant in disease conclusively. Therefore, this variant is classified as a Variant of Uncertain Significance.

Labcorp Genetics (formerly Invitae), Labcorp
Classification: Uncertain significance for Breast-ovarian cancer, familial, susceptibility to, 4. Last evaluated: 2024-06-23. Review status: criteria provided, single submitter. Criteria: Invitae Variant Classification Sherloc (09022015). Collection method: clinical testing. Allele origin: germline.
Comment: This sequence change replaces isoleucine, which is neutral and non-polar, with valine, which is neutral and non-polar, at codon 251 of the RAD51D protein (p.Ile251Val). This variant is present in population databases (rs540273429, gnomAD 0.0009%). This variant has not been reported in the literature in individuals affected with RAD51D-related conditions. ClinVar contains an entry for this variant (Variation ID: 141300). Advanced modeling of protein sequence and biophysical properties (such as structural, functional, and spatial information, amino acid conservation, physicochemical variation, residue mobility, and thermodynamic stability) performed at Invitae indicates that this missense variant is not expected to disrupt RAD51D protein function with a negative predictive value of 80%. In summary, the available evidence is currently insufficient to determine the role of this variant in disease. Therefore, it has been classified as a Variant of Uncertain Significance.

GeneDx
Classification: Uncertain significance. Last evaluated: 2024-02-27. Review status: criteria provided, single submitter. Criteria: GeneDx Variant Classification Process June 2021. Collection method: clinical testing. Allele origin: germline. Affected: yes.
Comment: Not observed at significant frequency in large population cohorts (gnomAD); In silico analysis supports that this missense variant does not alter protein structure/function; Has not been previously published as pathogenic or benign to our knowledge; This variant is associated with the following publications: (PMID: 21111057, 14704354, 19327148)

Ambry Genetics
Classification: Likely benign for Hereditary cancer-predisposing syndrome. Last evaluated: 2018-10-30. Review status: criteria provided, single submitter. Criteria: Ambry Variant Classification Scheme 2023. Collection method: clinical testing. Allele origin: germline.

NM_002878.4(RAD51D):c.751A>G (p.Ile251Val)

Genes: RAD51L3-RFFL (RAD51L3-RFFL readthrough; minus strand), RAD51D (RAD51 paralog D; minus strand). Cytogenetic location: 17q12.
Variant type: single nucleotide variant.
Coding change: c.751A>G on transcript NM_002878.4 (MANE Select); coding-DNA position 751, A replaced by G.
Protein change: p.Ile251Val; replaces isoleucine 251 with valine.
Molecular consequence: missense variant. On other transcripts: non-coding transcript variant (3).
Genome position (GRCh38, 1-based): chr17:35,101,353, T>C on the plus strand (A>G on the coding strand, the complement: RAD51D is on the minus strand). VCF-style: chr17-35101353-T-C. GRCh37 (hg19) VCF-style: chr17-33428372-T-C.
Other names: c.811A>G, p.Ile271Val (NM_001142571.2); c.415A>G, p.Ile139Val (NM_133629.3); short protein forms I251V, I139V, I271V.
Identifiers: ClinVar variation 141300 (VCV000141300.20), dbSNP rs540273429, ClinGen allele CA165041.